The following is an entry in ClinVar:

ClinVar aggregate classification (germline): Benign/Likely benign. Review status: criteria provided, multiple submitters, no conflicts (2 of 4 stars). 10 submissions from 6 submitters: Benign (5); Likely benign (5). Last evaluated 2026-01-20.

Conditions:
Connective tissue disorder. Also called: Connective tissue disease. Identifiers: MedGen C0009782, MONDO:0003900.
Asphyxiating thoracic dystrophy 5 (SRTD5). Also called: SHORT-RIB THORACIC DYSPLASIA 5 WITH OR WITHOUT POLYDACTYLY; SHORT-RIB THORACIC DYSPLASIA 5 WITHOUT POLYDACTYLY. Identifiers: Orphanet 474, MedGen C3280598, MONDO:0013717, OMIM 614376.
Senior-Loken syndrome 8 (SLSN8). Identifiers: Orphanet 3156, MedGen C4225376, MONDO:0014579, OMIM 616307.
Cranioectodermal dysplasia 4 (CED4). Identifiers: Orphanet 1515, MedGen C3280616, MONDO:0013719, OMIM 614378.
Nephronophthisis 13 (NPHP13). Identifiers: Orphanet 655, MedGen C3280612, MONDO:0013718, OMIM 614377.

Allele frequency attached by ClinVar (database versions not stated): gnomAD exomes 0.00060; 1000 Genomes Project 0.00080; 1000 Genomes Project 30x 0.00109; ExAC 0.00123; ESP Exome Variant Server 0.00204; gnomAD 0.00225 and 0.00248; TOPMed 0.00257.
gnomAD v4.1: 702 of 1,568,980 alleles (0.045%); highest among the groups gnomAD compares: African/African-American, 0.8%; 4 homozygotes.

Submissions (10):

Labcorp Genetics (formerly Invitae), Labcorp
Classification: Benign for Senior-Loken syndrome 8; Asphyxiating thoracic dystrophy 5. Last evaluated: 2026-01-20. Review status: criteria provided, single submitter. Criteria: Invitae Variant Classification Sherloc (09022015). Collection method: clinical testing. Allele origin: germline.

Blueprint Genetics
Classification: Likely benign. Last evaluated: 2024-09-13. Review status: criteria provided, single submitter. Criteria: ACMG Guidelines, 2015. Collection method: clinical testing. Allele origin: germline.

ARUP Laboratories, Molecular Genetics and Genomics, ARUP Laboratories
Classification: Likely benign. Last evaluated: 2022-04-05. Review status: criteria provided, single submitter. Criteria: ARUP Molecular Germline Variant Investigation Process 2021. Collection method: clinical testing. Allele origin: germline.

Genome-Nilou Lab
Classification: Benign for Cranioectodermal dysplasia 4. Last evaluated: 2021-12-05. Review status: criteria provided, single submitter. Criteria: ACMG Guidelines, 2015. Collection method: clinical testing. Allele origin: germline. Affected: no.

Genome-Nilou Lab
Classification: Benign for Nephronophthisis 13. Last evaluated: 2021-12-05. Review status: criteria provided, single submitter. Criteria: ACMG Guidelines, 2015. Collection method: clinical testing. Allele origin: germline. Affected: no.

Genome-Nilou Lab
Classification: Benign for Senior-Loken syndrome 8. Last evaluated: 2021-12-05. Review status: criteria provided, single submitter. Criteria: ACMG Guidelines, 2015. Collection method: clinical testing. Allele origin: germline. Affected: no.

Genome-Nilou Lab
Classification: Benign for Asphyxiating thoracic dystrophy 5. Last evaluated: 2021-12-05. Review status: criteria provided, single submitter. Criteria: ACMG Guidelines, 2015. Collection method: clinical testing. Allele origin: germline. Affected: no.

Genome Diagnostics Laboratory, The Hospital for Sick Children
Classification: Likely benign for Connective tissue disorder. Last evaluated: 2020-03-01. Review status: criteria provided, single submitter. Criteria: ACMG Guidelines, 2015. Collection method: clinical testing. Allele origin: germline.

Illumina Laboratory Services, Illumina
Classification: Likely benign for Cranioectodermal dysplasia 4. Last evaluated: 2018-01-13. Review status: criteria provided, single submitter. Criteria: ICSL Variant Classification Criteria 13 December 2019. Collection method: clinical testing. Allele origin: germline.
Comment: This variant was observed in the ICSL laboratory as part of a predisposition screen in an ostensibly healthy population. It had not been previously curated by ICSL or reported in the Human Gene Mutation Database (HGMD: prior to June 1st, 2018), and was therefore a candidate for classification through an automated scoring system. Utilizing variant allele frequency, disease prevalence and penetrance estimates, and inheritance mode, an automated score was calculated to assess if this variant is too frequent to cause the disease. Based on the score and internal cut-off values, a variant classified as likely benign is not then subjected to further curation. The score for this variant resulted in a classification of likely benign for this disease.

Illumina Laboratory Services, Illumina
Classification: Likely benign for Asphyxiating thoracic dystrophy 5. Last evaluated: 2018-01-13. Review status: criteria provided, single submitter. Criteria: ICSL Variant Classification Criteria 13 December 2019. Collection method: clinical testing. Allele origin: germline.
Comment: the same text as in the submission from Illumina Laboratory Services, Illumina above.

NM_025132.4(WDR19):c.3183+9G>A

Gene: WDR19 (WD repeat domain 19; plus strand). Cytogenetic location: 4p14.
Variant type: single nucleotide variant.
Coding change: c.3183+9G>A on transcript NM_025132.4 (MANE Select); 9 bases into the intron after coding-DNA position 3183, G replaced by A.
Molecular consequence: intron variant.
Genome position (GRCh38, 1-based): chr4:39,257,563, G>A. VCF-style: chr4-39257563-G-A. GRCh37 (hg19) VCF-style: chr4-39259183-G-A.
Other names: c.2703+9G>A (NM_001317924.2).
Identifiers: ClinVar variation 348746 (VCV000348746.22), dbSNP rs138318063, ClinGen allele CA2892283.
Genomic context (GRCh38, chr4:39,257,563, plus strand): 5'-GAAATGCCCAAGCTCGGAAGATAATGTGGCAATAGAAATGGCAATTGAAACTGTAAGTAC[G>A]CTTTCAATGAAACTTTCAATAATGCCAATTTTTTAAAAAACTTCTTGAAAAAAATTTTAA-3'